The following is an entry in ClinVar:

NM_000059.4(BRCA2):c.4981_4982insG (p.Tyr1661Ter)

Gene: BRCA2 (BRCA2 DNA repair associated; plus strand). Cytogenetic location: 13q13.1.
Variant type: Insertion.
Coding change: c.4981_4982insG on transcript NM_000059.4 (MANE Select); coding-DNA positions 4981 to 4982, G inserted.
Protein change: p.Tyr1661Ter; replaces tyrosine 1661 with a stop codon.
Molecular consequence: nonsense.
Genome position: GRCh38 VCF-style: chr13-32339336-T-TG. GRCh37 (hg19) VCF-style: chr13-32913473-T-TG.
Other names: 5209insG; short protein forms Y1661*.
Identifiers: ClinVar variation 126057 (VCV000126057.2), dbSNP rs80359476, ClinGen allele CA021098.

ClinVar aggregate classification (germline): Pathogenic. Review status: reviewed by expert panel (3 of 4 stars). 2 submissions from 2 submitters: Pathogenic (1). 1 of the submissions does not count toward it. Last evaluated 2016-09-08.

Conditions:
Breast-ovarian cancer, familial, susceptibility to, 2 (BROVCA2). Also called: BRCA2 Hereditary Breast and Ovarian Cancer. Identifiers: Orphanet 145, MedGen C2675520, MONDO:0012933, OMIM 612555. Disease mechanism: loss of function.

Submissions (2):

Evidence-based Network for the Interpretation of Germline Mutant Alleles (ENIGMA)
Classification: Pathogenic for Breast-ovarian cancer, familial, susceptibility to, 2. Last evaluated: 2016-09-08. Review status: reviewed by expert panel. Criteria: ENIGMA BRCA1/2 Classification Criteria (2015). Collection method: curation. Allele origin: germline.
Comment: Variant allele predicted to encode a truncated non-functional protein.

Breast Cancer Information Core (BIC) (BRCA2)
Classification: Pathogenic for Breast-ovarian cancer, familial 2. Review status: no assertion criteria provided. Collection method: clinical testing. Allele origin: germline. Affected: yes. Observed: 1 variant allele. Not counted in ClinVar's aggregate classification.